The following is an entry in ClinVar:

NM_001754.5(RUNX1):c.740C>G (p.Pro247Arg)

Gene: RUNX1 (RUNX family transcription factor 1; minus strand). Cytogenetic location: 21q22.12.
Variant type: single nucleotide variant.
Coding change: c.740C>G on transcript NM_001754.5 (MANE Select); coding-DNA position 740, C replaced by G.
Protein change: p.Pro247Arg; replaces proline 247 with arginine.
Molecular consequence: missense variant.
Genome position (GRCh38, 1-based): chr21:34,834,475, G>C on the plus strand (C>G on the coding strand, the complement: RUNX1 is on the minus strand). VCF-style: chr21-34834475-G-C. GRCh37 (hg19) VCF-style: chr21-36206772-G-C.
Other names: c.659C>G, p.Pro220Arg (NM_001001890.3, NM_001122607.2); short protein forms P220R, P247R.
Identifiers: ClinVar variation 5028563 (VCV005028563.1).

ClinVar aggregate classification (germline): Uncertain significance (1 of 4 stars; one submission).

Conditions:
Inborn genetic diseases. Identifiers: MedGen C0950123, MeSH D030342.

Submission:

Ambry Genetics
Classification: Uncertain significance for Inborn genetic diseases. Last evaluated: 2026-07-02. Review status: criteria provided, single submitter. Criteria: Ambry Variant Classification Scheme 2023. Collection method: clinical testing. Allele origin: germline.
Comment: The p.P247R variant (also known as c.740C>G), located in coding exon 6 of the RUNX1 gene, results from a C to G substitution at nucleotide position 740. The proline at codon 247 is replaced by arginine, an amino acid with dissimilar properties. This amino acid position is conserved. In addition, the in silico prediction for this alteration is inconclusive. Based on the available evidence, the clinical significance of this variant remains unclear.